The following is an entry in ClinVar:

NM_001164508.2(NEB):c.1609T>G (p.Cys537Gly)

Gene: NEB (nebulin; minus strand). Cytogenetic location: 2q23.3.
Variant type: single nucleotide variant.
Coding change: c.1609T>G on transcript NM_001164508.2 (MANE Select); coding-DNA position 1609, T replaced by G.
Protein change: p.Cys537Gly; replaces cysteine 537 with glycine.
Molecular consequence: missense variant.
Genome position (GRCh38, 1-based): chr2:151,695,643, A>C on the plus strand (T>G on the coding strand, the complement: NEB is on the minus strand). VCF-style: chr2-151695643-A-C. GRCh37 (hg19) VCF-style: chr2-152552157-A-C.
Other names: c.1609T>G, p.Cys537Gly (NM_001164507.2, NM_001271208.2, NM_004543.5); short protein forms C537G.
Identifiers: ClinVar variation 4976295 (VCV004976295.1).

ClinVar aggregate classification (germline): Uncertain significance (1 of 4 stars; one submission).

gnomAD v4.1: 13 of 1,613,840 alleles (0.00081%); highest among the groups gnomAD compares: Non-Finnish European, 0.0011%; no homozygotes.

Submission:

GeneDx
Classification: Uncertain significance. Last evaluated: 2026-02-10. Review status: criteria provided, single submitter. Criteria: GeneDx Variant Classification Process June 2021. Collection method: clinical testing. Allele origin: germline.
Comment: Not observed at significant frequency in large population cohorts (gnomAD); In silico analysis supports that this missense variant has a deleterious effect on protein structure/function; Has not been previously published as pathogenic or benign to our knowledge